The following is an entry in ClinVar:

ClinVar aggregate classification (germline): Uncertain significance (1 of 4 stars; one submission).

Conditions:
Idiopathic generalized epilepsy. Also called: Generalised epilepsy; EIG. Identifiers: MedGen C0270850, MONDO:0005579, OMIM 600669.
Hyperaldosteronism, familial, type IV (HALD4). Also called: FH IV; ALDOSTERONISM, PRIMARY, AND HYPERTENSION. Identifiers: Orphanet 642671, MedGen C4310756, MONDO:0014875, OMIM 617027.

Submission:

Labcorp Genetics (formerly Invitae), Labcorp
Classification: Uncertain significance for Idiopathic generalized epilepsy; Hyperaldosteronism, familial, type IV. Last evaluated: 2024-01-29. Review status: criteria provided, single submitter. Criteria: Invitae Variant Classification Sherloc (09022015). Collection method: clinical testing. Allele origin: unknown.
Comment: This variant is a gross deletion of the genomic region encompassing exon(s) 2 of the CACNA1H gene, which includes the initiator codon. This deletion extends beyond the assayed region for this gene and therefore may encompass additional genes. It is expected to result in an absent or disrupted protein product. However, the current clinical and genetic evidence is not sufficient to establish whether loss-of-function variants in CACNA1H cause disease. This variant has not been reported in the literature in individuals affected with CACNA1H-related conditions. In summary, the available evidence is currently insufficient to determine the role of this variant in disease. Therefore, it has been classified as a Variant of Uncertain Significance.

NC_000016.9:g.(?_1203738)_(1204056_?)del

Gene: CACNA1H (calcium voltage-gated channel subunit alpha1 H; plus strand). Cytogenetic location: 16p13.3.
Variant type: Deletion.
Identifiers: ClinVar variation 3243336 (VCV003243336.1).